The following is an entry in ClinVar:

ClinVar aggregate classification (germline): Pathogenic (1 of 4 stars; one submission).

Submission:

Labcorp Genetics (formerly Invitae), Labcorp
Classification: Pathogenic. Last evaluated: 2023-11-06. Review status: criteria provided, single submitter. Criteria: Invitae Variant Classification Sherloc (09022015). Collection method: clinical testing. Allele origin: germline.
Comment: This sequence change creates a premature translational stop signal (p.Ala2195Profs*25) in the MYO15A gene. It is expected to result in an absent or disrupted protein product. Loss-of-function variants in MYO15A are known to be pathogenic (PMID: 17546645). This variant is not present in population databases (gnomAD no frequency). This variant has not been reported in the literature in individuals affected with MYO15A-related conditions. For these reasons, this variant has been classified as Pathogenic.

Literature cited by the submitters: PubMed 17546645.

NM_016239.4(MYO15A):c.6579_6582dup (p.Ala2195fs)

Gene: MYO15A (myosin XVA; plus strand). Cytogenetic location: 17p11.2.
Variant type: Duplication.
Coding change: c.6579_6582dup on transcript NM_016239.4 (MANE Select); coding-DNA positions 6579 to 6582, 4 bases duplicated (CCGG; older notation c.6579_6582dupCCGG).
Protein change: p.Ala2195fs; shifts the reading frame from alanine 2195.
Molecular consequence: frameshift variant.
Genome position (GRCh38, 1-based): chr17:18,148,098-18,148,101, CCGG duplicated; duplicating any 4 consecutive bases within chr17:18,148,096-18,148,101 gives the same sequence; the c. name uses the placement nearest the transcript's 3' end. VCF-style (leftmost placement, unchanged base first): chr17-18148095-G-GGGCC. GRCh37 (hg19) VCF-style: chr17-18051409-G-GGGCC.
Other names: short protein forms A2195fs.
Identifiers: ClinVar variation 2693925 (VCV002693925.3), dbSNP rs2545276246, ClinGen allele CA2697559486.